The following is an entry in ClinVar:

ClinVar aggregate classification (germline): Conflicting classifications of pathogenicity. Review status: criteria provided, conflicting classifications (1 of 4 stars). 4 submissions from 4 submitters: Uncertain significance (2); Likely benign (2). Last evaluated 2025-02-28.

Conditions:
Autosomal recessive cerebellar ataxia-saccadic intrusion syndrome. Also called: VPS13D Movement Disorder; SPINOCEREBELLAR ATAXIA 24. Identifiers: Orphanet 95434, MedGen C1846492, MONDO:0011811, OMIM 607317.
Inborn genetic diseases. Identifiers: MedGen C0950123, MeSH D030342.

Allele frequency attached by ClinVar (database versions not stated): TOPMed 0.00003; gnomAD 0.00009; gnomAD exomes 0.00016; ExAC 0.00030; 1000 Genomes Project 30x 0.00031; 1000 Genomes Project 0.00040.
gnomAD v4.1: 258 of 1,614,096 alleles (0.016%); highest among the groups gnomAD compares: South Asian, 0.16%; no homozygotes.

Submissions (4):

Mayo Clinic Laboratories, Mayo Clinic
Classification: Likely benign. Last evaluated: 2025-02-28. Review status: criteria provided, single submitter. Criteria: ACMG Guidelines, 2015. Collection method: clinical testing. Allele origin: germline. Observed: 1 variant allele.
Comment: BS1, BP4_moderate

Ambry Genetics
Classification: Likely benign for Inborn genetic diseases. Last evaluated: 2024-03-21. Review status: criteria provided, single submitter. Criteria: Ambry Variant Classification Scheme 2023. Collection method: clinical testing. Allele origin: germline.

Labcorp Genetics (formerly Invitae), Labcorp
Classification: Uncertain significance. Last evaluated: 2023-11-27. Review status: criteria provided, single submitter. Criteria: Invitae Variant Classification Sherloc (09022015). Collection method: clinical testing. Allele origin: germline.
Comment: This sequence change replaces arginine, which is basic and polar, with glutamine, which is neutral and polar, at codon 1692 of the VPS13D protein (p.Arg1692Gln). This variant is present in population databases (rs201823549, gnomAD 0.2%). This variant has not been reported in the literature in individuals affected with VPS13D-related conditions. ClinVar contains an entry for this variant (Variation ID: 2149519). Advanced modeling of protein sequence and biophysical properties (such as structural, functional, and spatial information, amino acid conservation, physicochemical variation, residue mobility, and thermodynamic stability) performed at Invitae indicates that this missense variant is not expected to disrupt VPS13D protein function with a negative predictive value of 80%. In summary, the available evidence is currently insufficient to determine the role of this variant in disease. Therefore, it has been classified as a Variant of Uncertain Significance.

Neuberg Centre For Genomic Medicine, NCGM
Classification: Uncertain significance for Autosomal recessive cerebellar ataxia-saccadic intrusion syndrome. Review status: criteria provided, single submitter. Criteria: ACMG Guidelines, 2015. Collection method: clinical testing. Allele origin: germline. Inheritance: Autosomal recessive inheritance. Affected: yes.
Comment: The missense variant c.5075G>Ap.Arg1692Gln in VPS13D gene has not been reported previously as a pathogenic variant nor as a benign variant, to our knowledge. The observed variant has been reported with allele frequency of 0.03% in gnomAD exomes database. This variant has been reported to the ClinVar database as Uncertain Significance. The amino acid change p.Arg1692Gln in VPS13D is predicted as conserved by GERP++ and PhyloP across 100 vertebrates. The amino acid Arg at position 1692 is changed to a Gln changing protein sequence and it might alter its composition and physico-chemical properties. For these reasons, this variant has been classified as Uncertain Significance VUS.

NM_015378.4(VPS13D):c.5075G>A (p.Arg1692Gln)

Gene: VPS13D (vacuolar protein sorting 13 homolog D; plus strand). Cytogenetic location: 1p36.22.
Variant type: single nucleotide variant.
Coding change: c.5075G>A on transcript NM_015378.4 (MANE Select); coding-DNA position 5075, G replaced by A.
Protein change: p.Arg1692Gln; replaces arginine 1692 with glutamine.
Molecular consequence: missense variant.
Genome position (GRCh38, 1-based): chr1:12,283,177, G>A. VCF-style: chr1-12283177-G-A. GRCh37 (hg19) VCF-style: chr1-12343234-G-A.
Other names: p.Arg1692Gln; c.5075G>A (NM_015378.2); c.5075G>A, p.Arg1692Gln (NM_018156.4); short protein forms R1692Q.
Identifiers: ClinVar variation 2149519 (VCV002149519.5), dbSNP rs201823549, ClinGen allele CA602256.